The following is an entry in ClinVar:

NM_170707.4(LMNA):c.122G>A (p.Arg41His)

Gene: LMNA (lamin A/C; plus strand). Cytogenetic location: 1q22.
Variant type: single nucleotide variant.
Coding change: c.122G>A on transcript NM_170707.4 (MANE Select); coding-DNA position 122, G replaced by A.
Protein change: p.Arg41His; replaces arginine 41 with histidine.
Molecular consequence: missense variant.
Genome position (GRCh38, 1-based): chr1:156,115,040, G>A. VCF-style: chr1-156115040-G-A. GRCh37 (hg19) VCF-style: chr1-156084831-G-A.
Other names: c.122G>A, p.Arg41His (NM_001282625.2, NM_001282626.2, NM_005572.4 and 1 more transcripts); short protein forms R41H.
Identifiers: ClinVar variation 408994 (VCV000408994.50), dbSNP rs1060502215, ClinGen allele CA16609885.
Genomic context (GRCh38, chr1:156,115,040, plus strand): 5'-TGTCGCCCACCCGCATCACCCGGCTGCAGGAGAAGGAGGACCTGCAGGAGCTCAATGATC[G>A]CTTGGCGGTCTACATCGACCGTGTGCGCTCGCTGGAAACGGAGAACGCAGGGCTGCGCCT-3'
Protein context (NP_733821.1, residues 31-51): EKEDLQELND[Arg41His]LAVYIDRVRS

ClinVar aggregate classification (germline): Pathogenic. Review status: criteria provided, multiple submitters, no conflicts (2 of 4 stars). 2 submissions from 2 submitters: Pathogenic (2). Last evaluated 2023-03-14.

Conditions:
Charcot-Marie-Tooth disease type 2. Also called: Charcot-Marie-Tooth type 2. Identifiers: Orphanet 64746, MedGen C0270914, MONDO:0018993.

Submissions (2):

Labcorp Genetics (formerly Invitae), Labcorp
Classification: Pathogenic for Charcot-Marie-Tooth disease type 2. Last evaluated: 2023-03-14. Review status: criteria provided, single submitter. Criteria: Invitae Variant Classification Sherloc (09022015). Collection method: clinical testing. Allele origin: germline.
Comment: ClinVar contains an entry for this variant (Variation ID: 408994). This missense change has been observed in individual(s) with myopathy (Invitae). In at least one individual the variant was observed to be de novo. This variant is not present in population databases (gnomAD no frequency). This sequence change replaces arginine, which is basic and polar, with histidine, which is basic and polar, at codon 41 of the LMNA protein (p.Arg41His). Advanced modeling of protein sequence and biophysical properties (such as structural, functional, and spatial information, amino acid conservation, physicochemical variation, residue mobility, and thermodynamic stability) performed at Invitae indicates that this missense variant is expected to disrupt LMNA protein function. For these reasons, this variant has been classified as Pathogenic. This variant disrupts the p.Arg41 amino acid residue in LMNA. Other variant(s) that disrupt this residue have been observed in individuals with LMNA-related conditions (PMID: 20980393, 29250285), which suggests that this may be a clinically significant amino acid residue.

CeGaT Center for Human Genetics Tuebingen
Classification: Pathogenic. Last evaluated: 2019-08-01. Review status: criteria provided, single submitter. Criteria: CeGaT Center For Human Genetics Tuebingen Variant Classification Criteria Version 2. Collection method: clinical testing. Allele origin: germline. Affected: yes. Observed: 1 variant allele.

Literature cited by the submitters: PubMed 20980393 (cited by Labcorp Genetics (formerly Invitae), Labcorp); PubMed 29250285 (cited by Labcorp Genetics (formerly Invitae), Labcorp).